The following is an entry in ClinVar:

ClinVar aggregate classification (germline): Uncertain significance (1 of 4 stars; one submission).

Conditions:
Hereditary cancer-predisposing syndrome. Also called: Hereditary Cancer Syndrome; Hereditary neoplastic syndrome; Tumor predisposition; Neoplastic Syndromes, Hereditary. Identifiers: Orphanet 140162, MedGen C0027672, MeSH D009386, MONDO:0015356.

Submission:

Ambry Genetics
Classification: Uncertain significance for Hereditary cancer-predisposing syndrome. Last evaluated: 2024-10-12. Review status: criteria provided, single submitter. Criteria: Ambry Variant Classification Scheme 2023. Collection method: clinical testing. Allele origin: germline.
Comment: The p.L1319P variant (also known as c.3956T>C), located in coding exon 27 of the ALK gene, results from a T to C substitution at nucleotide position 3956. The leucine at codon 1319 is replaced by proline, an amino acid with similar properties. This amino acid position is conserved. In addition, this alteration is predicted to be deleterious by in silico analysis. Based on the available evidence, the clinical significance of this variant remains unclear.

NM_004304.5(ALK):c.3956T>C (p.Leu1319Pro)

Gene: ALK (ALK receptor tyrosine kinase; minus strand). Cytogenetic location: 2p23.2.
Variant type: single nucleotide variant.
Coding change: c.3956T>C on transcript NM_004304.5 (MANE Select); coding-DNA position 3956, T replaced by C.
Protein change: p.Leu1319Pro; replaces leucine 1319 with proline.
Molecular consequence: missense variant.
Genome position (GRCh38, 1-based): chr2:29,197,659, A>G on the plus strand (T>C on the coding strand, the complement: ALK is on the minus strand). VCF-style: chr2-29197659-A-G. GRCh37 (hg19) VCF-style: chr2-29420525-A-G.
Other names: c.752T>C, p.Leu251Pro (NM_001353765.2); short protein forms L251P, L1319P.
Identifiers: ClinVar variation 3524867 (VCV003524867.1).
Genomic context (GRCh38, chr2:29,197,659, plus strand): 5'-AGAACTTCCTGGTTGCTTTTGCTGGGGTATGGCATATATCCAAGAGAAAAGATTTCCCAT[A>G]GCAGCACTCCAAAGGACCTGGGCATGGGACAGAGGACATGGAGATGGATATAGACACACC-3'
Protein context (NP_004295.2, residues 1309-1329): KTDTWSFGVL[Leu1319Pro]WEIFSLGYMP